The following is an entry in ClinVar:

NM_000334.4(SCN4A):c.2297T>C (p.Met766Thr)

Genes: GH-LCR (growth hormone locus control region; plus strand), SCN4A (sodium voltage-gated channel alpha subunit 4; minus strand). Cytogenetic location: 17q23.3.
Variant type: single nucleotide variant.
Coding change: c.2297T>C on transcript NM_000334.4 (MANE Select); coding-DNA position 2297, T replaced by C.
Protein change: p.Met766Thr; replaces methionine 766 with threonine.
Molecular consequence: missense variant.
Genome position (GRCh38, 1-based): chr17:63,957,241, A>G on the plus strand (T>C on the coding strand, the complement: SCN4A is on the minus strand). VCF-style: chr17-63957241-A-G. GRCh37 (hg19) VCF-style: chr17-62034601-A-G.
Other names: short protein forms M766T.
Identifiers: ClinVar variation 2070755 (VCV002070755.5), dbSNP rs531287816, ClinGen allele CA8709619.

ClinVar aggregate classification (germline): Uncertain significance. Review status: criteria provided, multiple submitters, no conflicts (2 of 4 stars). 2 submissions from 2 submitters: Uncertain significance (2). Last evaluated 2024-05-28.

Conditions:
Congenital myopathy 22A, classic (CMYO22A). Identifiers: MedGen C5830453, MONDO:0957247, OMIM 620351.
Potassium-aggravated myotonia. Also called: MYOTONIA CONGENITA, ACETAZOLAMIDE-RESPONSIVE; MYOTONIA CONGENITA, ATYPICAL; SODIUM CHANNEL MUSCLE DISEASE; Myotonia congenita, atypical, acetazolamide-responsive. Identifiers: Orphanet 612, Orphanet 99734, Orphanet 99735, Orphanet 99736, MedGen C2931826, MONDO:0018959, OMIM 608390.
Hypokalemic periodic paralysis, type 2 (HOKPP2). Identifiers: Orphanet 681, MedGen C2750061, MONDO:0013234, OMIM 613345.
Hyperkalemic periodic paralysis. Also called: Familial hyperkalemic periodic paralysis; Gamstorp disease. Identifiers: Orphanet 682, MedGen C0238357, MONDO:0008224, OMIM 170500, HP:0007215.
Congenital myopathy 22B, severe fetal (CMYO22B). Identifiers: MedGen C5830501, MONDO:0957265, OMIM 620369.
Congenital myasthenic syndrome 16. Identifiers: Orphanet 590, MedGen C3280112, MONDO:0013620, OMIM 614198.
Paramyotonia congenita of Von Eulenburg. Also called: PARALYSIS PERIODICA PARAMYOTONICA; Eulenburg disease; Myotonia congenita intermittens; Von Eulenburg paramyotonia congenita; Paramyotonia Congenita. Identifiers: Orphanet 684, MedGen C0221055, MONDO:0008195, OMIM 168300. Disease mechanism: loss of function.

Allele frequency attached by ClinVar (database versions not stated): gnomAD 0.00001; gnomAD exomes 0.00002; 1000 Genomes Project 30x 0.00016; 1000 Genomes Project 0.00020; TOPMed 0.00001; ExAC 0.00004.
gnomAD v4.1: 24 of 1,612,260 alleles (0.0015%); highest among the groups gnomAD compares: East Asian, 0.02%; no homozygotes.

Submissions (2):

Fulgent Genetics
Classification: Uncertain significance for Paramyotonia congenita of Von Eulenburg; Hyperkalemic periodic paralysis; Potassium-aggravated myotonia; Hypokalemic periodic paralysis, type 2; Congenital myasthenic syndrome 16; Congenital myopathy 22A, classic; Congenital myopathy 22B, severe fetal. Last evaluated: 2024-05-28. Review status: criteria provided, single submitter. Criteria: ACMG Guidelines, 2015. Collection method: clinical testing. Allele origin: germline.

Labcorp Genetics (formerly Invitae), Labcorp
Classification: Uncertain significance for Hyperkalemic periodic paralysis. Last evaluated: 2022-07-18. Review status: criteria provided, single submitter. Criteria: Invitae Variant Classification Sherloc (09022015). Collection method: clinical testing. Allele origin: germline.
Comment: In summary, the available evidence is currently insufficient to determine the role of this variant in disease. Therefore, it has been classified as a Variant of Uncertain Significance. This sequence change replaces methionine, which is neutral and non-polar, with threonine, which is neutral and polar, at codon 766 of the SCN4A protein (p.Met766Thr). This variant is present in population databases (rs531287816, gnomAD 0.05%). Algorithms developed to predict the effect of missense changes on protein structure and function (SIFT, PolyPhen-2, Align-GVGD) all suggest that this variant is likely to be disruptive. This variant has not been reported in the literature in individuals affected with SCN4A-related conditions.